The following is an entry in ClinVar:

NM_030632.3(ASXL3):c.5561T>C (p.Val1854Ala)

Gene: ASXL3 (ASXL transcriptional regulator 3; plus strand). Cytogenetic location: 18q12.1.
Variant type: single nucleotide variant.
Coding change: c.5561T>C on transcript NM_030632.3 (MANE Select); coding-DNA position 5561, T replaced by C.
Protein change: p.Val1854Ala; replaces valine 1854 with alanine.
Molecular consequence: missense variant.
Genome position (GRCh38, 1-based): chr18:33,745,409, T>C. VCF-style: chr18-33745409-T-C. GRCh37 (hg19) VCF-style: chr18-31325373-T-C.
Other names: short protein forms V1854A.
Identifiers: ClinVar variation 1328824 (VCV001328824.2), dbSNP rs2145432606, ClinGen allele CA402194848.
Genomic context (GRCh38, chr18:33,745,409, plus strand): 5'-CTGTAGGAGAACACACTCAAGTTAAATGTGAACCAGGAAAATTGTTGGTGGAGCCAGATG[T>C]TAAAGGGGTGCCTTGTGTCATCAGTTCCGGCATCAGTCAGCTAGGACACAGCCAGCCATT-3'
Protein context (NP_085135.1, residues 1844-1864): EPGKLLVEPD[Val1854Ala]KGVPCVISSG

ClinVar aggregate classification (germline): Uncertain significance (1 of 4 stars; one submission).

Submission:

GeneDx
Classification: Uncertain significance. Last evaluated: 2021-06-14. Review status: criteria provided, single submitter. Criteria: GeneDx Variant Classification Process June 2021. Collection method: clinical testing. Allele origin: germline. Affected: yes.
Comment: Has not been previously published as pathogenic or benign to our knowledge; Not observed at significant frequency in large population cohorts (Lek et al., 2016); In silico analysis supports that this missense variant does not alter protein structure/function; This variant is associated with the following publications: (PMID: 27535533)